The following is an entry in ClinVar:

NM_015557.3(CHD5):c.995-6C>T

Gene: CHD5 (chromodomain helicase DNA binding protein 5; minus strand). Cytogenetic location: 1p36.31.
Variant type: single nucleotide variant.
Coding change: c.995-6C>T on transcript NM_015557.3 (MANE Select); 6 bases into the intron before coding-DNA position 995, C replaced by T.
Molecular consequence: intron variant.
Genome position (GRCh38, 1-based): chr1:6,149,418, G>A on the plus strand (C>T on the coding strand, the complement: CHD5 is on the minus strand). VCF-style: chr1-6149418-G-A. GRCh37 (hg19) VCF-style: chr1-6209478-G-A.
Identifiers: ClinVar variation 730369 (VCV000730369.4), dbSNP rs138305801, ClinGen allele CA557168.

ClinVar aggregate classification (germline): Benign/Likely benign. Review status: criteria provided, multiple submitters, no conflicts (2 of 4 stars). 2 submissions from 2 submitters: Benign (1); Likely benign (1). Last evaluated 2026-02-11.

Conditions:
CHD5-related disorder. Also called: CHD5-related condition.

Allele frequency attached by ClinVar (database versions not stated): gnomAD 0.00007 and 0.00014; TOPMed 0.00010; gnomAD exomes 0.00014 and 0.00015; ExAC 0.00019; 1000 Genomes Project 30x 0.00062; 1000 Genomes Project 0.00080.
gnomAD v4.1: 238 of 1,599,614 alleles (0.015%); highest among the groups gnomAD compares: East Asian, 0.48%; 1 homozygote.

Submissions (2):

PreventionGenetics, part of Exact Sciences
Classification: Likely benign for CHD5-related condition. Last evaluated: 2026-02-11. Review status: criteria provided, single submitter. Criteria: ACMG Guidelines, 2015. Collection method: clinical testing. Allele origin: germline.
Comment: This variant is classified as likely benign based on ACMG/AMP sequence variant interpretation guidelines (Richards et al. 2015 PMID: 25741868, with internal and published modifications).

Labcorp Genetics (formerly Invitae), Labcorp
Classification: Benign. Last evaluated: 2018-03-30. Review status: criteria provided, single submitter. Criteria: Invitae Variant Classification Sherloc (09022015). Collection method: clinical testing. Allele origin: germline.